The following is an entry in ClinVar:

NM_206933.4(USH2A):c.7952A>G (p.Asn2651Ser)

Gene: USH2A (usherin; minus strand). Cytogenetic location: 1q41.
Variant type: single nucleotide variant.
Coding change: c.7952A>G on transcript NM_206933.4 (MANE Select); coding-DNA position 7952, A replaced by G.
Protein change: p.Asn2651Ser; replaces asparagine 2651 with serine.
Molecular consequence: missense variant.
Genome position (GRCh38, 1-based): chr1:215,888,697, T>C on the plus strand (A>G on the coding strand, the complement: USH2A is on the minus strand). VCF-style: chr1-215888697-T-C. GRCh37 (hg19) VCF-style: chr1-216062039-T-C.
Other names: short protein forms N2651S.
Identifiers: ClinVar variation 940055 (VCV000940055.9), dbSNP rs745559540, ClinGen allele CA1394708.

ClinVar aggregate classification (germline): Uncertain significance. Review status: criteria provided, multiple submitters, no conflicts (2 of 4 stars). 3 submissions from 3 submitters: Uncertain significance (2). 1 of the submissions does not count toward it. Last evaluated 2021-09-02.

Conditions:
Usher syndrome type 2A. Also called: RETINAL DISEASE IN USHER SYNDROME TYPE IIA, MODIFIER OF; USHER SYNDROME, TYPE IIA. Identifiers: Orphanet 231178, Orphanet 886, MedGen C1848634, MONDO:0010169, OMIM 276901.

Allele frequency attached by ClinVar (database versions not stated): TOPMed below 0.00001; gnomAD 0.00001; gnomAD exomes 0.00001; ExAC 0.00002.
gnomAD v4.1: 17 of 1,613,982 alleles (0.0011%); highest among the groups gnomAD compares: East Asian, 0.0045%; no homozygotes.

Submissions (3):

Labcorp Genetics (formerly Invitae), Labcorp
Classification: Uncertain significance. Last evaluated: 2021-09-02. Review status: criteria provided, single submitter. Criteria: Invitae Variant Classification Sherloc (09022015). Collection method: clinical testing. Allele origin: germline.
Comment: This sequence change replaces asparagine with serine at codon 2651 of the USH2A protein (p.Asn2651Ser). The asparagine residue is highly conserved and there is a small physicochemical difference between asparagine and serine. This variant is present in population databases (rs745559540, ExAC 0.02%). This variant has not been reported in the literature in individuals affected with USH2A-related conditions. Algorithms developed to predict the effect of missense changes on protein structure and function output the following: SIFT: "Deleterious"; PolyPhen-2: "Possibly Damaging"; Align-GVGD: "Class C15". The serine amino acid residue is found in multiple mammalian species, which suggests that this missense change does not adversely affect protein function. Algorithms developed to predict the effect of sequence changes on RNA splicing suggest that this variant may create or strengthen a splice site. In summary, the available evidence is currently insufficient to determine the role of this variant in disease. Therefore, it has been classified as a Variant of Uncertain Significance.

Blueprint Genetics
Classification: Uncertain significance. Last evaluated: 2019-10-14. Review status: criteria provided, single submitter. Criteria: ACMG Guidelines, 2015. Collection method: clinical testing. Allele origin: germline.

Natera, Inc.
Classification: Uncertain significance for Usher syndrome type 2A. Last evaluated: 2020-10-07. Review status: no assertion criteria provided. Collection method: clinical testing. Allele origin: germline. Not counted in ClinVar's aggregate classification.